The following is an entry in ClinVar:

ClinVar aggregate classification (germline): Benign/Likely benign. Review status: criteria provided, multiple submitters, no conflicts (2 of 4 stars). 10 submissions from 10 submitters: Benign (6); Likely benign (2). 2 of the submissions do not count toward it. Last evaluated 2026-01-26.

Conditions:
Inborn genetic diseases. Identifiers: MedGen C0950123, MeSH D030342.
Alpha thalassemia-X-linked intellectual disability syndrome (ATRX). Also called: X-linked alpha-thalassemia-mental retardation syndrome; ALPHA-THALASSEMIA/MENTAL RETARDATION SYNDROME, X-LINKED; ATR, NONDELETION TYPE; ATR-X syndrome; Alpha thalassemia mental retardation syndrome, nondeletion type, X-linked; XLMR hypotonic face syndrome. Identifiers: Orphanet 847, MedGen C1845055, MONDO:0010519, OMIM 301040.

Allele frequency attached by ClinVar (database versions not stated): gnomAD 0.00006 and 0.00037; TOPMed 0.00012; gnomAD exomes 0.00068 and 0.00138; ExAC 0.00162; 1000 Genomes Project 30x 0.00291; 1000 Genomes Project 0.00318.
gnomAD v4.1: 799 of 1,208,723 alleles (0.066%); highest among the groups gnomAD compares: South Asian, 1.2%; 6 homozygotes.

Submissions (10):

Labcorp Genetics (formerly Invitae), Labcorp
Classification: Benign for Alpha thalassemia-X-linked intellectual disability syndrome. Last evaluated: 2026-01-26. Review status: criteria provided, single submitter. Criteria: Invitae Variant Classification Sherloc (09022015). Collection method: clinical testing. Allele origin: germline.

Blueprint Genetics
Classification: Likely benign. Last evaluated: 2024-10-28. Review status: criteria provided, single submitter. Criteria: ACMG Guidelines, 2015. Collection method: clinical testing. Allele origin: germline.

Athena Diagnostics
Classification: Benign. Last evaluated: 2019-03-08. Review status: criteria provided, single submitter. Criteria: Athena Diagnostics Criteria. Collection method: clinical testing. Allele origin: germline.

GeneDx
Classification: Benign. Last evaluated: 2018-10-03. Review status: criteria provided, single submitter. Criteria: GeneDx Variant Classification Process June 2021. Collection method: clinical testing. Allele origin: germline. Affected: yes.

Ambry Genetics
Classification: Benign for Inborn genetic diseases. Last evaluated: 2017-09-25. Review status: criteria provided, single submitter. Criteria: Ambry Variant Classification Scheme 2023. Collection method: clinical testing. Allele origin: germline.

Genetic Services Laboratory, University of Chicago
Classification: Benign. Last evaluated: 2016-05-05. Review status: criteria provided, single submitter. Criteria: ACMG Guidelines, 2015. Collection method: clinical testing. Allele origin: germline. Affected: no.

Genomic Diagnostic Laboratory, Division of Genomic Diagnostics, Children's Hospital of Philadelphia
Classification: Benign. Last evaluated: 2015-03-06. Review status: criteria provided, single submitter. Criteria: DGD Variant Analysis Guidelines. Collection method: clinical testing. Allele origin: unknown.

Eurofins Ntd Llc (ga)
Classification: Likely benign. Last evaluated: 2014-10-30. Review status: criteria provided, single submitter. Criteria: EGL Classification Definitions 2015. Collection method: clinical testing. Allele origin: germline. Observed: 1 variant allele, 1 hemizygote.

Natera, Inc.
Classification: Benign for X-linked alpha-thalassemia-mental retardation syndrome. Last evaluated: 2020-09-16. Review status: no assertion criteria provided. Collection method: clinical testing. Allele origin: germline. Not counted in ClinVar's aggregate classification.

ITMI
No classification provided. Condition: AllHighlyPenetrant. Last evaluated: 2013-09-19. Review status: no classification provided. Collection method: reference population. Allele origin: germline. Not counted in ClinVar's aggregate classification.
Comment: Please see associated publication for description of ethnicities

Literature cited by the submitters: PubMed 24728327 (cited by Athena Diagnostics and ITMI).

NM_000489.6(ATRX):c.2000C>T (p.Pro667Leu)

Gene: ATRX (ATRX chromatin remodeler; minus strand). Cytogenetic location: Xq21.1.
Variant type: single nucleotide variant.
Coding change: c.2000C>T on transcript NM_000489.6 (MANE Select); coding-DNA position 2000, C replaced by T.
Protein change: p.Pro667Leu; replaces proline 667 with leucine.
Molecular consequence: missense variant.
Genome position (GRCh38, 1-based): chrX:77,683,256, G>A on the plus strand (C>T on the coding strand, the complement: ATRX is on the minus strand). VCF-style: chrX-77683256-G-A. GRCh37 (hg19) VCF-style: chrX-76938748-G-A.
Other names: c.1886C>T, p.Pro629Leu (NM_138270.5); short protein forms P667L, P629L.
Identifiers: ClinVar variation 133655 (VCV000133655.28), dbSNP rs61752457, ClinGen allele CA248730.